The following is an entry in ClinVar:

ClinVar aggregate classification (germline): Likely pathogenic (1 of 4 stars; one submission).

Conditions:
Dilated cardiomyopathy 1Z (CMD1Z). Identifiers: Orphanet 154, MedGen C2678475, MONDO:0012745, OMIM 611879.
Hypertrophic cardiomyopathy 13. Also called: TNNC1-Related Familial Hypertrophic Cardiomyopathy. Identifiers: MedGen C2750472, MONDO:0013195, OMIM 613243.

Submission:

Labcorp Genetics (formerly Invitae), Labcorp
Classification: Likely pathogenic for Hypertrophic cardiomyopathy 13; Dilated cardiomyopathy 1Z. Last evaluated: 2020-09-14. Review status: criteria provided, single submitter. Criteria: Invitae Variant Classification Sherloc (09022015). Collection method: clinical testing. Allele origin: germline.
Comment: In summary, the currently available evidence indicates that the variant is pathogenic, but additional data are needed to prove that conclusively. Therefore, this variant has been classified as Likely Pathogenic. Algorithms developed to predict the effect of missense changes on protein structure and function are either unavailable or do not agree on the potential impact of this missense change (SIFT: "Tolerated"; PolyPhen-2: "Probably Damaging"; Align-GVGD: "Class C0"). This variant has been observed in individual(s) with dilated cardiomyopathy (Invitae). In at least one individual the variant was observed to be de novo. This variant is not present in population databases (ExAC no frequency). This sequence change replaces glutamic acid with aspartic acid at codon 56 of the TNNC1 protein (p.Glu56Asp). The glutamic acid residue is highly conserved and there is a small physicochemical difference between glutamic acid and aspartic acid.

NM_003280.3(TNNC1):c.168G>C (p.Glu56Asp)

Gene: TNNC1 (troponin C1, slow skeletal and cardiac type; minus strand). Cytogenetic location: 3p21.1.
Variant type: single nucleotide variant.
Coding change: c.168G>C on transcript NM_003280.3 (MANE Select); coding-DNA position 168, G replaced by C.
Protein change: p.Glu56Asp; replaces glutamic acid 56 with aspartic acid.
Molecular consequence: missense variant.
Genome position (GRCh38, 1-based): chr3:52,452,140, C>G on the plus strand (G>C on the coding strand, the complement: TNNC1 is on the minus strand). VCF-style: chr3-52452140-C-G. GRCh37 (hg19) VCF-style: chr3-52486156-C-G.
Other names: short protein forms E56D.
Identifiers: ClinVar variation 1066522 (VCV001066522.5), dbSNP rs199523612, ClinGen allele CA353168338.